The following is an entry in ClinVar:

NM_004656.4(BAP1):c.1758C>G (p.Ile586Met)

Gene: BAP1 (BRCA1 associated deubiquitinase 1; minus strand). Cytogenetic location: 3p21.1.
Variant type: single nucleotide variant.
Coding change: c.1758C>G on transcript NM_004656.4 (MANE Select); coding-DNA position 1758, C replaced by G.
Protein change: p.Ile586Met; replaces isoleucine 586 with methionine.
Molecular consequence: missense variant.
Genome position (GRCh38, 1-based): chr3:52,403,270, G>C on the plus strand (C>G on the coding strand, the complement: BAP1 is on the minus strand). VCF-style: chr3-52403270-G-C. GRCh37 (hg19) VCF-style: chr3-52437286-G-C.
Other names: c.1704C>G, p.Ile568Met (NM_001410772.1); short protein forms I586M, I568M.
Identifiers: ClinVar variation 2823783 (VCV002823783.3), dbSNP rs2153226508, ClinGen allele CA353099148.

ClinVar aggregate classification (germline): Uncertain significance (1 of 4 stars; one submission).

Conditions:
BAP1-related tumor predisposition syndrome (TPDS1). Also called: BAP1 tumor predisposition syndrome; Tumor susceptibility linked to germline BAP1 mutations; COMMON Syndrome; TUMOR PREDISPOSITION SYNDROME 1. Identifiers: Orphanet 289539, MedGen C3280492, MONDO:0013692, OMIM 614327.

Submission:

Labcorp Genetics (formerly Invitae), Labcorp
Classification: Uncertain significance for BAP1-related tumor predisposition syndrome. Last evaluated: 2022-12-24. Review status: criteria provided, single submitter. Criteria: Invitae Variant Classification Sherloc (09022015). Collection method: clinical testing. Allele origin: germline.
Comment: This variant is not present in population databases (gnomAD no frequency). This variant has not been reported in the literature in individuals affected with BAP1-related conditions. Advanced modeling of protein sequence and biophysical properties (such as structural, functional, and spatial information, amino acid conservation, physicochemical variation, residue mobility, and thermodynamic stability) performed at Invitae indicates that this missense variant is not expected to disrupt BAP1 protein function. In summary, the available evidence is currently insufficient to determine the role of this variant in disease. Therefore, it has been classified as a Variant of Uncertain Significance. This sequence change replaces isoleucine, which is neutral and non-polar, with methionine, which is neutral and non-polar, at codon 586 of the BAP1 protein (p.Ile586Met).